The following is an entry in ClinVar:

NM_003742.4(ABCB11):c.923T>C (p.Leu308Pro)

Gene: ABCB11 (ATP binding cassette subfamily B member 11; minus strand). Cytogenetic location: 2q31.1.
Variant type: single nucleotide variant.
Coding change: c.923T>C on transcript NM_003742.4 (MANE Select); coding-DNA position 923, T replaced by C.
Protein change: p.Leu308Pro; replaces leucine 308 with proline.
Molecular consequence: missense variant.
Genome position (GRCh38, 1-based): chr2:168,986,270, A>G on the plus strand (T>C on the coding strand, the complement: ABCB11 is on the minus strand). VCF-style: chr2-168986270-A-G. GRCh37 (hg19) VCF-style: chr2-169842780-A-G.
Other names: NM_003742.4:c.923T>C; short protein forms L308P.
Identifiers: ClinVar variation 3776874 (VCV003776874.2).

ClinVar aggregate classification (germline): Uncertain significance. Review status: criteria provided, multiple submitters, no conflicts (2 of 4 stars). 2 submissions from 2 submitters: Uncertain significance (2). Last evaluated 2026-04-14.

Conditions:
Familial intrahepatic cholestasis. Identifiers: Orphanet 284385, MedGen CN296401, MONDO:0017290.
Progressive familial intrahepatic cholestasis type 2. Identifiers: Orphanet 79304, MedGen C3489789, MONDO:0011156, OMIM 601847.

gnomAD v4.1: 2 of 1,612,598 alleles (0.00012%); highest among the groups gnomAD compares: East Asian, 0.0045%; no homozygotes.

Submissions (2):

Genomenon, Inc
Classification: Uncertain significance for Familial intrahepatic cholestasis. Last evaluated: 2026-04-14. Review status: criteria provided, single submitter. Criteria: Genomenon Sequence Variant Interpretation Standards - Updated. Collection method: curation. Allele origin: germline. Affected: yes.
Comment: ABCB11 p.Leu308Pro (c.923T>C) is a missense variant that changes the amino acid at residue 308 from Leucine to Proline. This variant has been observed in at least one proband with an ABCB11-related disorder (PMID:32808743). It is absent or not present at a significant frequency in gnomAD. In silico models predict that this variant is possibly or probably damaging. In conclusion, we classify ABCB11 p.Leu308Pro (c.923T>C) as a variant of uncertain significance.

Broad Center for Mendelian Genomics, Broad Institute of MIT and Harvard
Classification: Uncertain significance for Progressive familial intrahepatic cholestasis type 2. Last evaluated: 2025-01-30. Review status: criteria provided, single submitter. Criteria: ACMG Guidelines, 2015. Collection method: curation. Allele origin: germline. Inheritance: Autosomal recessive inheritance.
Comment: The p.Leu308Pro variant in ABCB11 has been reported, in the compound heterozygous state, in 1 individual with BSEP deficiency (PMID: 32808743), and has been identified in 0.004% (2/44846) of East Asian chromosomes by the Genome Aggregation Database (gnomAD). Although this variant has been seen in the general population in a heterozygous state, its frequency is low enough to be consistent with a recessive carrier frequency. Computational prediction tools and conservation analyses suggest that this variant may impact the protein, though this information is not predictive enough to determine pathogenicity. In summary, the clinical significance of this variant is uncertain. ACMG/AMP Criteria applied: PP3_moderate, PM2_supporting (Richards 2015).

Literature cited by the submitters: PubMed 32808743 (cited by Genomenon, Inc).